The following is an entry in ClinVar:

ClinVar aggregate classification (germline): Conflicting classifications of pathogenicity. Review status: criteria provided, conflicting classifications (1 of 4 stars). 6 submissions from 6 submitters: Uncertain significance (5); Likely benign (1). Last evaluated 2025-11-27.

Conditions:
Familial adenomatous polyposis 1 (FAP1). Also called: POLYPOSIS, ADENOMATOUS INTESTINAL; FAMILIAL ADENOMATOUS POLYPOSIS 1, ATTENUATED. Identifiers: MedGen C2713442, MONDO:0021056, OMIM 175100. Disease mechanism: loss of function.
Classic or attenuated familial adenomatous polyposis. Identifiers: MedGen CN372698, MONDO:0021057.
Hereditary cancer-predisposing syndrome. Also called: Hereditary neoplastic syndrome; Neoplastic Syndromes, Hereditary; Tumor predisposition; Hereditary Cancer Syndrome. Identifiers: Orphanet 140162, MedGen C0027672, MeSH D009386, MONDO:0015356.

Allele frequency attached by ClinVar (database versions not stated): ExAC 0.00001; gnomAD 0.00003 and 0.00004; TOPMed 0.00005.
gnomAD v4.1: 6 of 1,613,106 alleles (0.00037%); highest among the groups gnomAD compares: African/African-American, 0.008%; no homozygotes.

Submissions (6):

Labcorp Genetics (formerly Invitae), Labcorp
Classification: Uncertain significance for Familial adenomatous polyposis 1. Last evaluated: 2025-11-27. Review status: criteria provided, single submitter. Criteria: Invitae Variant Classification Sherloc (09022015). Collection method: clinical testing. Allele origin: germline.
Comment: This sequence change replaces threonine, which is neutral and polar, with lysine, which is basic and polar, at codon 2611 of the APC protein (p.Thr2611Lys). This variant is present in population databases (rs587778037, gnomAD 0.01%). This variant has not been reported in the literature in individuals affected with APC-related conditions. ClinVar contains an entry for this variant (Variation ID: 470112). Invitae Evidence Modeling of protein sequence and biophysical properties (such as structural, functional, and spatial information, amino acid conservation, physicochemical variation, residue mobility, and thermodynamic stability) indicates that this missense variant is not expected to disrupt APC protein function with a negative predictive value of 95%. In summary, the available evidence is currently insufficient to determine the role of this variant in disease. Therefore, it has been classified as a Variant of Uncertain Significance.

GeneDx
Classification: Uncertain significance. Last evaluated: 2024-09-12. Review status: criteria provided, single submitter. Criteria: GeneDx Variant Classification Process June 2021. Collection method: clinical testing. Allele origin: germline. Affected: yes.
Comment: Not observed at significant frequency in large population cohorts (gnomAD); In silico analysis supports that this missense variant has a deleterious effect on protein structure/function; Has not been previously published as pathogenic or benign to our knowledge; This variant is associated with the following publications: (PMID: 18199528)

All of Us Research Program, National Institutes of Health
Classification: Uncertain significance for Classic or attenuated familial adenomatous polyposis. Last evaluated: 2024-05-09. Review status: criteria provided, single submitter. Criteria: ACMG Guidelines, 2015. Collection method: clinical testing. Allele origin: germline. Inheritance: Autosomal dominant inheritance. Observed: 2 variant alleles, 2 heterozygotes.
Comment: This missense variant replaces threonine with lysine at codon 2611 of the APC protein. Computational prediction is inconclusive regarding the impact of this variant on protein structure and function (internally defined REVEL score threshold 0.5 < inconclusive < 0.7, PMID: 27666373). To our knowledge, functional studies have not been reported for this variant. This variant has not been reported in individuals affected with hereditary cancer in the literature. This variant has been identified in 2/250108 chromosomes in the general population by the Genome Aggregation Database (gnomAD). The available evidence is insufficient to determine the role of this variant in disease conclusively. Therefore, this variant is classified as a Variant of Uncertain Significance.

This study involves interpretation of variants in research participants for the purpose of population health screening. Participant phenotype was not available at the time of variant classification. Additional details can be found in publication PMID: 35346344, PMCID: PMC8962531

Color Diagnostics, LLC DBA Color Health
Classification: Uncertain significance for Hereditary cancer-predisposing syndrome. Last evaluated: 2024-03-06. Review status: criteria provided, single submitter. Criteria: ACMG Guidelines, 2015. Collection method: clinical testing. Allele origin: germline.
Comment: This missense variant replaces threonine with lysine at codon 2611 of the APC protein. Computational prediction is inconclusive regarding the impact of this variant on protein structure and function (internally defined REVEL score threshold 0.5 < inconclusive < 0.7, PMID: 27666373). To our knowledge, functional studies have not been reported for this variant. This variant has not been reported in individuals affected with hereditary cancer in the literature. This variant has been identified in 2/250108 chromosomes in the general population by the Genome Aggregation Database (gnomAD). The available evidence is insufficient to determine the role of this variant in disease conclusively. Therefore, this variant is classified as a Variant of Uncertain Significance.

Baylor Genetics
Classification: Uncertain significance for Familial adenomatous polyposis 1. Last evaluated: 2024-02-02. Review status: criteria provided, single submitter. Criteria: ACMG Guidelines, 2015. Collection method: clinical testing. Allele origin: unknown.

Ambry Genetics
Classification: Likely benign for Hereditary cancer-predisposing syndrome. Last evaluated: 2022-11-07. Review status: criteria provided, single submitter. Criteria: Ambry Variant Classification Scheme 2023. Collection method: clinical testing. Allele origin: germline.

NM_000038.6(APC):c.7832C>A (p.Thr2611Lys)

Gene: APC (APC regulator of Wnt signaling pathway; plus strand). Cytogenetic location: 5q22.2.
Variant type: single nucleotide variant.
Coding change: c.7832C>A on transcript NM_000038.6 (MANE Select); coding-DNA position 7832, C replaced by A.
Protein change: p.Thr2611Lys; replaces threonine 2611 with lysine.
Molecular consequence: missense variant.
Genome position (GRCh38, 1-based): chr5:112,843,426, C>A. VCF-style: chr5-112843426-C-A. GRCh37 (hg19) VCF-style: chr5-112179123-C-A.
Other names: c.7832C>A, p.Thr2611Lys (NM_001127510.3, NM_001354895.2); c.7778C>A, p.Thr2593Lys (NM_001127511.3); c.7886C>A, p.Thr2629Lys (NM_001354896.2); c.7862C>A, p.Thr2621Lys (NM_001354897.2); c.7757C>A, p.Thr2586Lys (NM_001354898.2); c.7748C>A, p.Thr2583Lys (NM_001354899.2); c.7709C>A, p.Thr2570Lys (NM_001354900.2); c.7655C>A, p.Thr2552Lys (NM_001354901.2); and 5 more; short protein forms T2593K, T2611K, T2451K, T2520K, T2570K, T2621K, T2629K, T2552K.
Identifiers: ClinVar variation 470112 (VCV000470112.25), dbSNP rs587778037, ClinGen allele CA049276.